The following is an entry in ClinVar:

ClinVar aggregate classification (germline): Uncertain significance (1 of 4 stars; one submission).

Conditions:
Brown-Vialetto-van Laere syndrome 1. Also called: BROWN-VIALETTO-VAN LAERE SYNDROME 1, MILD; BULBAR PALSY, PROGRESSIVE, WITH SENSORINEURAL DEAFNESS; PONTOBULBAR PALSY WITH DEAFNESS. Identifiers: Orphanet 572550, Orphanet 97229, MedGen C0796274, MONDO:0024537, OMIM 211530.

gnomAD v4.1: 5 of 1,611,566 alleles (0.00031%); highest among the groups gnomAD compares: Non-Finnish European, 0.00042%; no homozygotes.

Submission:

Labcorp Genetics (formerly Invitae), Labcorp
Classification: Uncertain significance for Brown-Vialetto-van Laere syndrome 1. Last evaluated: 2018-10-31. Review status: criteria provided, single submitter. Criteria: Invitae Variant Classification Sherloc (09022015). Collection method: clinical testing. Allele origin: germline.
Comment: This sequence change replaces leucine with phenylalanine at codon 109 of the SLC52A3 protein (p.Leu109Phe). The leucine residue is weakly conserved and there is a small physicochemical difference between leucine and phenylalanine. This variant is not present in population databases (ExAC no frequency). In summary, the available evidence is currently insufficient to determine the role of this variant in disease. Therefore, it has been classified as a Variant of Uncertain Significance. Algorithms developed to predict the effect of missense changes on protein structure and function (SIFT, PolyPhen-2, Align-GVGD) all suggest that this variant is likely to be tolerated, but these predictions have not been confirmed by published functional studies and their clinical significance is uncertain. This variant has not been reported in the literature in individuals with SLC52A3-related disease.

NM_033409.4(SLC52A3):c.327G>T (p.Leu109Phe)

Gene: SLC52A3 (solute carrier family 52 member 3; minus strand). Cytogenetic location: 20p13.
Variant type: single nucleotide variant.
Coding change: c.327G>T on transcript NM_033409.4 (MANE Select); coding-DNA position 327, G replaced by T.
Protein change: p.Leu109Phe; replaces leucine 109 with phenylalanine.
Molecular consequence: missense variant.
Genome position (GRCh38, 1-based): chr20:765,448, C>A on the plus strand (G>T on the coding strand, the complement: SLC52A3 is on the minus strand). VCF-style: chr20-765448-C-A. GRCh37 (hg19) VCF-style: chr20-746092-C-A.
Other names: c.327G>T, p.Leu109Phe (NM_001370085.1, NM_001370086.1); short protein forms L109F.
Identifiers: ClinVar variation 639327 (VCV000639327.8), dbSNP rs1599959281, ClinGen allele CA407964067.